The following is an entry in ClinVar:

NM_031483.7(ITCH):c.895G>A (p.Gly299Arg)

Gene: ITCH (itchy E3 ubiquitin protein ligase; plus strand). Cytogenetic location: 20q11.22.
Variant type: single nucleotide variant.
Coding change: c.895G>A on transcript NM_031483.7 (MANE Select); coding-DNA position 895, G replaced by A.
Protein change: p.Gly299Arg; replaces glycine 299 with arginine.
Molecular consequence: missense variant.
Genome position (GRCh38, 1-based): chr20:34,442,233, G>A. VCF-style: chr20-34442233-G-A. GRCh37 (hg19) VCF-style: chr20-33030038-G-A.
Other names: c.1018G>A, p.Gly340Arg (NM_001257137.3, NM_001324197.2); c.565G>A, p.Gly189Arg (NM_001257138.3); c.895G>A, p.Gly299Arg (NM_001324198.2); short protein forms G299R, G189R, G340R.
Identifiers: ClinVar variation 3680519 (VCV003680519.2).

ClinVar aggregate classification (germline): Uncertain significance (1 of 4 stars; one submission).

Conditions:
Syndromic multisystem autoimmune disease due to ITCH deficiency. Also called: AUTOIMMUNE DISEASE, MULTISYSTEM, WITH FACIAL DYSMORPHISM. Identifiers: Orphanet 228426, MedGen C3150649, MONDO:0013245, OMIM 613385.

gnomAD v4.1: 12 of 1,613,858 alleles (0.00074%); highest among the groups gnomAD compares: South Asian, 0.0022%; no homozygotes.

Submission:

Labcorp Genetics (formerly Invitae), Labcorp
Classification: Uncertain significance for Syndromic multisystem autoimmune disease due to ITCH deficiency. Last evaluated: 2024-11-30. Review status: criteria provided, single submitter. Criteria: Invitae Variant Classification Sherloc (09022015). Collection method: clinical testing. Allele origin: germline.
Comment: This sequence change replaces glycine, which is neutral and non-polar, with arginine, which is basic and polar, at codon 299 of the ITCH protein (p.Gly299Arg). This variant is present in population databases (no rsID available, gnomAD 0.0009%). This variant has not been reported in the literature in individuals affected with ITCH-related conditions. An algorithm developed to predict the effect of missense changes on protein structure and function (PolyPhen-2) suggests that this variant is likely to be disruptive. In summary, the available evidence is currently insufficient to determine the role of this variant in disease. Therefore, it has been classified as a Variant of Uncertain Significance.